The following is an entry in ClinVar:

NM_007294.4(BRCA1):c.3210dup (p.Glu1071fs)

Gene: BRCA1 (BRCA1 DNA repair associated; minus strand). Cytogenetic location: 17q21.31.
Variant type: Duplication.
Coding change: c.3210dup on transcript NM_007294.4 (MANE Select); coding-DNA position 3210, one base duplicated (A; older notation c.3210dupA).
Protein change: p.Glu1071fs; shifts the reading frame from glutamic acid 1071.
Molecular consequence: frameshift variant. On other transcripts: intron variant (137).
Genome position (GRCh38, 1-based): chr17:43,092,321, T duplicated on the plus strand (A on the coding strand, the reverse complement: BRCA1 is on the minus strand). VCF-style (leftmost placement, unchanged base first): chr17-43092320-C-CT. GRCh37 (hg19) VCF-style: chr17-41244337-C-CT.
Other names: 3328insA; c.2997dup, p.Glu1000fs (NM_001407571.1, NM_001407853.1, NM_001407894.1 and 9 more transcripts); c.3210dup, p.Glu1071fs (NM_001407581.1, NM_001407582.1, NM_001407583.1 and 30 more transcripts); c.3207dup, p.Glu1070fs (NM_001407587.1, NM_001407590.1, NM_001407591.1 and 22 more transcripts); c.3201dup, p.Glu1068fs (NM_001407646.1, NM_001407647.1); c.3087dup, p.Glu1030fs (NM_001407648.1, NM_001407664.1, NM_001407665.1 and 19 more transcripts); c.3084dup, p.Glu1029fs (NM_001407649.1, NM_001407670.1, NM_001407671.1 and 11 more transcripts); c.3132dup, p.Glu1045fs (NM_001407653.1, NM_001407654.1, NM_001407655.1 and 4 more transcripts); and 42 more; short protein forms E1024fs, E1071fs, E1030fs, E1068fs, E959fs, E1000fs, E1004fs, E903fs.
Identifiers: ClinVar variation 266343 (VCV000266343.6), dbSNP rs886040104, ClinGen allele CA10589776.

ClinVar aggregate classification (germline): Pathogenic. Review status: reviewed by expert panel (3 of 4 stars). 2 submissions from 2 submitters: Pathogenic (1). 1 of the submissions does not count toward it. Last evaluated 2016-10-18.

Conditions:
Breast-ovarian cancer, familial, susceptibility to, 1 (BROVCA1). Also called: BRCA1 Hereditary Breast and Ovarian Cancer; OVARIAN CANCER, SUSCEPTIBILITY TO. Identifiers: Orphanet 145, MedGen C2676676, MONDO:0011450, OMIM 604370. Disease mechanism: loss of function.

Submissions (2):

Evidence-based Network for the Interpretation of Germline Mutant Alleles (ENIGMA)
Classification: Pathogenic for Breast-ovarian cancer, familial, susceptibility to, 1. Last evaluated: 2016-10-18. Review status: reviewed by expert panel. Criteria: ENIGMA BRCA1/2 Classification Criteria (2015). Collection method: curation. Allele origin: germline.
Comment: Variant allele predicted to encode a truncated non-functional protein.

Consortium of Investigators of Modifiers of BRCA1/2 (CIMBA), c/o University of Cambridge
Classification: Pathogenic for Breast-ovarian cancer, familial, susceptibility to, 1. Last evaluated: 2015-10-02. Review status: criteria provided, single submitter. Criteria: CIMBA Mutation Classification guidelines May 2016. Collection method: clinical testing. Allele origin: germline. Not counted in ClinVar's aggregate classification.